The following is an entry in ClinVar:

ClinVar aggregate classification (germline): Likely benign. Review status: criteria provided, multiple submitters, no conflicts (2 of 4 stars). 2 submissions from 2 submitters: Likely benign (2). Last evaluated 2024-03-05.

Allele frequency attached by ClinVar (database versions not stated): gnomAD 0.00001; gnomAD exomes 0.00001; TOPMed 0.00001.
gnomAD v4.1: 15 of 1,610,364 alleles (0.00093%); highest among the groups gnomAD compares: East Asian, 0.0022%; no homozygotes.

Submissions (2):

Labcorp Genetics (formerly Invitae), Labcorp
Classification: Likely benign. Last evaluated: 2024-03-05. Review status: criteria provided, single submitter. Criteria: Invitae Variant Classification Sherloc (09022015). Collection method: clinical testing. Allele origin: germline.

CeGaT Center for Human Genetics Tuebingen
Classification: Likely benign. Last evaluated: 2023-07-01. Review status: criteria provided, single submitter. Criteria: CeGaT Center For Human Genetics Tuebingen Variant Classification Criteria Version 2. Collection method: clinical testing. Allele origin: germline. Affected: yes. Observed: 1 variant allele.
Comment: PCNT: BP4, BP7

NM_006031.6(PCNT):c.5385G>A (p.Ala1795=)

Gene: PCNT (pericentrin; plus strand). Cytogenetic location: 21q22.3.
Variant type: single nucleotide variant.
Coding change: c.5385G>A on transcript NM_006031.6 (MANE Select); coding-DNA position 5385, G replaced by A.
Protein change: p.Ala1795=; no amino-acid change (alanine 1795 retained).
Molecular consequence: synonymous variant.
Genome position (GRCh38, 1-based): chr21:46,411,458, G>A. VCF-style: chr21-46411458-G-A. GRCh37 (hg19) VCF-style: chr21-47831372-G-A.
Other names: c.5031G>A, p.Ala1677= (NM_001315529.2).
Identifiers: ClinVar variation 1549963 (VCV001549963.30), dbSNP rs371295884, ClinGen allele CA321996734.
Genomic context (GRCh38, chr21:46,411,458, plus strand): 5'-GCTCTGCTCCCAGGCCGGGGGCCCTCGTGGGCAGGCCCTACAGGGCGAGCTCGAGGCTGC[G>A]CTGGAAGCCAAGGAGGCCCTGAGCCGGCTGCTGGCTGACCAGGAGCGCAGGCACAGCCAG-3'
Protein context (NP_006022.3, residues 1785-1805): GQALQGELEA[Ala1795=]LEAKEALSRL